The following is an entry in ClinVar:

NM_001267550.2(TTN):c.39896-75A>G

Gene: TTN (titin; minus strand). Cytogenetic location: 2q31.2.
Variant type: single nucleotide variant.
Coding change: c.39896-75A>G on transcript NM_001267550.2 (MANE Select); 75 bases into the intron before coding-DNA position 39896, A replaced by G.
Molecular consequence: intron variant.
Genome position (GRCh38, 1-based): chr2:178,649,706, T>C on the plus strand (A>G on the coding strand, the complement: TTN is on the minus strand). VCF-style: chr2-178649706-T-C. GRCh37 (hg19) VCF-style: chr2-179514433-T-C.
Other names: c.13283-7389A>G (NM_003319.4); c.13859-7389A>G (NM_133437.4); c.13658-7389A>G (NM_133432.3); c.32593+111A>G (NM_133378.4); c.35374+111A>G (NM_001256850.1).
Identifiers: ClinVar variation 671285 (VCV000671285.2), dbSNP rs2562845, ClinGen allele CA15225260.

ClinVar aggregate classification (germline): Benign. Review status: criteria provided, multiple submitters, no conflicts (2 of 4 stars). 2 submissions from 2 submitters: Benign (2). Last evaluated 2018-06-14.

Allele frequency attached by ClinVar (database versions not stated): gnomAD exomes 0.21431; gnomAD 0.23751 and 0.24181; TOPMed 0.24893; 1000 Genomes Project 30x 0.32089; 1000 Genomes Project 0.32488.
gnomAD v4.1: 334,854 of 1,536,612 alleles (22%); highest among the groups gnomAD compares: East Asian, 55%; 40,730 homozygotes.

Submissions (2):

GeneDx
Classification: Benign. Last evaluated: 2018-06-14. Review status: criteria provided, single submitter. Criteria: GeneDx Variant Classification (06012015). Collection method: clinical testing. Allele origin: germline. Affected: yes.
Comment: This variant is considered likely benign or benign based on one or more of the following criteria: it is a conservative change, it occurs at a poorly conserved position in the protein, it is predicted to be benign by multiple in silico algorithms, and/or has population frequency not consistent with disease.

Breakthrough Genomics
Classification: Benign. Review status: criteria provided, single submitter. Criteria: ACMG Guidelines, 2015. Collection method: not provided. Allele origin: germline. Inheritance: Autosomal recessive inheritance. Affected: yes.